The following is an entry in ClinVar:

ClinVar aggregate classification (germline): Likely benign (1 of 4 stars; one submission).

Conditions:
Hereditary diffuse gastric adenocarcinoma (HDGC). Also called: DIFFUSE GASTRIC AND LOBULAR BREAST CANCER SYNDROME. Identifiers: Orphanet 26106, MedGen C1708349, MONDO:0007648, OMIM 137215.

gnomAD v4.1: 1 of 1,609,004 alleles (0.000062%); highest among the groups gnomAD compares: Non-Finnish European, 0.000085%; no homozygotes.

Submission:

Myriad Genetics, Inc.
Classification: Likely benign for Hereditary diffuse gastric adenocarcinoma. Last evaluated: 2024-10-09. Review status: criteria provided, single submitter. Criteria: Myriad Autosomal Dominant, Autosomal Recessive and X-Linked Classification Criteria (2023). Collection method: clinical testing. Allele origin: unknown.
Comment: This variant is considered likely benign. This variant is intronic and is not expected to impact mRNA splicing.

NM_001903.5(CTNNA1):c.469-9A>G

Gene: CTNNA1 (catenin alpha 1; plus strand). Cytogenetic location: 5q31.2.
Variant type: single nucleotide variant.
Coding change: c.469-9A>G on transcript NM_001903.5 (MANE Select); 9 bases into the intron before coding-DNA position 469, A replaced by G.
Molecular consequence: intron variant.
Genome position (GRCh38, 1-based): chr5:138,812,174, A>G. VCF-style: chr5-138812174-A-G. GRCh37 (hg19) VCF-style: chr5-138147863-A-G.
Other names: c.469-9A>G (NM_001323982.2, NM_001323984.2, NM_001290307.3 and 3 more transcripts); c.100-9A>G (NM_001290310.3); c.160-9A>G (NM_001290309.3).
Identifiers: ClinVar variation 3773406 (VCV003773406.1).